The following is an entry in ClinVar:

ClinVar aggregate classification (germline): Likely benign. Review status: criteria provided, multiple submitters, no conflicts (2 of 4 stars). 8 submissions from 8 submitters: Likely benign (7). 1 of the submissions does not count toward it. Last evaluated 2026-01-13.

Conditions:
POLE-related disorder. Also called: POLE-related condition; POLE-related disorders.
Hereditary cancer-predisposing syndrome. Also called: Neoplastic Syndromes, Hereditary; Hereditary neoplastic syndrome; Tumor predisposition; Hereditary Cancer Syndrome. Identifiers: Orphanet 140162, MedGen C0027672, MeSH D009386, MONDO:0015356.

Allele frequency attached by ClinVar (database versions not stated): ExAC 0.00002; gnomAD exomes 0.00004 and 0.00007; gnomAD 0.00007 and 0.00008; ESP Exome Variant Server 0.00015; TOPMed 0.00009.
gnomAD v4.1: 112 of 1,613,844 alleles (0.0069%); highest among the groups gnomAD compares: Non-Finnish European, 0.0091%; no homozygotes.

Submissions (8):

Labcorp Genetics (formerly Invitae), Labcorp
Classification: Likely benign. Last evaluated: 2026-01-13. Review status: criteria provided, single submitter. Criteria: Invitae Variant Classification Sherloc (09022015). Collection method: clinical testing. Allele origin: germline.

Center for Genomic Medicine, Rigshospitalet, Copenhagen University Hospital
Classification: Likely benign. Last evaluated: 2025-03-04. Review status: criteria provided, single submitter. Criteria: ACMG Guidelines, 2015. Collection method: clinical testing. Allele origin: germline.

CeGaT Center for Human Genetics Tuebingen
Classification: Likely benign. Last evaluated: 2024-08-01. Review status: criteria provided, single submitter. Criteria: CeGaT Center For Human Genetics Tuebingen Variant Classification Criteria Version 2. Collection method: clinical testing. Allele origin: germline. Affected: yes. Observed: 1 variant allele.
Comment: POLE: BP4, BP7

Genetic Services Laboratory, University of Chicago
Classification: Likely benign. Last evaluated: 2021-06-17. Review status: criteria provided, single submitter. Criteria: ACMG Guidelines, 2015. Collection method: clinical testing. Allele origin: germline. Affected: no.

Sema4
Classification: Likely benign for Hereditary cancer-predisposing syndrome. Last evaluated: 2021-02-19. Review status: criteria provided, single submitter. Criteria: Sema4 Curation Guidelines. Collection method: curation. Allele origin: germline.

GeneDx
Classification: Likely benign. Last evaluated: 2020-02-23. Review status: criteria provided, single submitter. Criteria: GeneDx Variant Classification Process June 2021. Collection method: clinical testing. Allele origin: germline. Affected: yes.

Ambry Genetics
Classification: Likely benign for Hereditary cancer-predisposing syndrome. Last evaluated: 2015-08-31. Review status: criteria provided, single submitter. Criteria: Ambry Variant Classification Scheme 2023. Collection method: clinical testing. Allele origin: germline.

PreventionGenetics, part of Exact Sciences
Classification: Likely benign for POLE-related condition. Last evaluated: 2019-11-26. Review status: no assertion criteria provided. Collection method: clinical testing. Allele origin: germline. Not counted in ClinVar's aggregate classification.
Comment: This variant is classified as likely benign based on ACMG/AMP sequence variant interpretation guidelines (Richards et al. 2015 PMID: 25741868, with internal and published modifications).

NM_006231.4(POLE):c.2481C>T (p.Tyr827=)

Gene: POLE (DNA polymerase epsilon, catalytic subunit; minus strand). Cytogenetic location: 12q24.33.
Variant type: single nucleotide variant.
Coding change: c.2481C>T on transcript NM_006231.4 (MANE Select); coding-DNA position 2481, C replaced by T.
Protein change: p.Tyr827=; no amino-acid change (tyrosine 827 retained).
Molecular consequence: synonymous variant.
Genome position (GRCh38, 1-based): chr12:132,664,450, G>A on the plus strand (C>T on the coding strand, the complement: POLE is on the minus strand). VCF-style: chr12-132664450-G-A. GRCh37 (hg19) VCF-style: chr12-133241036-G-A.
Identifiers: ClinVar variation 382712 (VCV000382712.44), dbSNP rs149513974, ClinGen allele CA6893529.